The following is an entry in ClinVar:

NM_000530.8(MPZ):c.158G>A (p.Trp53Ter)

Gene: MPZ (myelin protein zero; minus strand). Cytogenetic location: 1q23.3.
Variant type: single nucleotide variant.
Coding change: c.158G>A on transcript NM_000530.8 (MANE Select); coding-DNA position 158, G replaced by A.
Protein change: p.Trp53Ter; replaces tryptophan 53 with a stop codon.
Molecular consequence: nonsense.
Genome position (GRCh38, 1-based): chr1:161,307,334, C>T on the plus strand (G>A on the coding strand, the complement: MPZ is on the minus strand). VCF-style: chr1-161307334-C-T. GRCh37 (hg19) VCF-style: chr1-161277124-C-T.
Other names: p.Trp53*; c.158G>A, p.Trp53Ter (NM_001315491.2); short protein forms W53*.
Identifiers: ClinVar variation 4541845 (VCV004541845.1).

ClinVar aggregate classification (germline): Likely pathogenic (1 of 4 stars; one submission).

Submission:

Mayo Clinic Laboratories, Mayo Clinic
Classification: Likely pathogenic. Last evaluated: 2025-02-10. Review status: criteria provided, single submitter. Criteria: ACMG Guidelines, 2015. Collection method: clinical testing. Allele origin: germline. Observed: 1 variant allele.
Comment: PM2_supporting, PVS1

Literature cited by the submitters: PubMed 29653220.